The following is an entry in ClinVar:

ClinVar aggregate classification (germline): Uncertain significance. Review status: reviewed by expert panel (3 of 4 stars). 3 submissions from 3 submitters: Uncertain significance (1). 2 of the submissions do not count toward it. Last evaluated 2024-10-29.

Conditions:
Hereditary thrombocytopenia and hematologic cancer predisposition syndrome. Identifiers: Orphanet 71290, MedGen CN281654, MONDO:0011071.
Inborn genetic diseases. Identifiers: MedGen C0950123, MeSH D030342.
Hereditary thrombocytopenia and hematological cancer predisposition syndrome associated with RUNX1. Also called: Familial Platelet Disorder with Propensity to Acute Myelogenous Leukemia; Familial thrombocytopenia with propensity to acute myelogenous leukemia; PLATELET DISORDER, ASPIRIN-LIKE; RUNX1 Familial Platelet Disorder with Associated Myeloid Malignancies. Identifiers: Orphanet 71290, MedGen C1832388, MeSH C563324, MONDO:0100083, OMIM 601399.

Allele frequency attached by ClinVar (database versions not stated): TOPMed below 0.00001.

Submissions (3):

ClinGen Myeloid Malignancy Variant Curation Expert Panel
Classification: Uncertain significance for Hereditary thrombocytopenia and hematologic cancer predisposition syndrome. Last evaluated: 2024-10-29. Review status: reviewed by expert panel. Criteria: ClinGen MyeloMalig ACMG Specifications v2. Collection method: curation. Allele origin: germline. Inheritance: Autosomal dominant inheritance.
Comment: NM_001754.5(RUNX1):c.189C>A (p.Ala63=) is a synonymous variant which has a SpliceAI score ≤ 0.20 (0.02) (BP4). This variant is completely absent from all population databases with at least 20x coverage for RUNX1 (PM2_Supporting). In summary, the clinical significance of this variant is uncertain. ACMG/AMP criteria applied, as specified by the Myeloid Malignancy Variant Curation Expert Panel for RUNX1: PM2_supporting, BP4.

Ambry Genetics
Classification: Likely benign for Inborn genetic diseases. Last evaluated: 2026-03-03. Review status: criteria provided, single submitter. Criteria: Ambry Variant Classification Scheme 2023. Collection method: clinical testing. Allele origin: germline. Not counted in ClinVar's aggregate classification.

Labcorp Genetics (formerly Invitae), Labcorp
Classification: Likely benign for Hereditary thrombocytopenia and hematological cancer predisposition syndrome associated with RUNX1. Last evaluated: 2024-02-17. Review status: criteria provided, single submitter. Criteria: Invitae Variant Classification Sherloc (09022015). Collection method: clinical testing. Allele origin: germline. Not counted in ClinVar's aggregate classification.

NM_001754.5(RUNX1):c.189C>A (p.Ala63=)

Gene: RUNX1 (RUNX family transcription factor 1; minus strand). Cytogenetic location: 21q22.12.
Variant type: single nucleotide variant.
Coding change: c.189C>A on transcript NM_001754.5 (MANE Select); coding-DNA position 189, C replaced by A.
Protein change: p.Ala63=; no amino-acid change (alanine 63 retained).
Molecular consequence: synonymous variant.
Genome position (GRCh38, 1-based): chr21:34,887,005, G>T on the plus strand (C>A on the coding strand, the complement: RUNX1 is on the minus strand). VCF-style: chr21-34887005-G-T. GRCh37 (hg19) VCF-style: chr21-36259302-G-T.
Other names: NM_001754.5(RUNX1):c.189C>A; p.Ala63=; c.108C>A, p.Ala36= (NM_001001890.3, NM_001122607.2); c.189C>A (NM_001754.4).
Identifiers: ClinVar variation 1394837 (VCV001394837.10), dbSNP rs2058003198, ClinGen allele CA512318934.